The following is an entry in ClinVar:

NM_014140.4(SMARCAL1):c.2852C>T (p.Thr951Met)

Gene: SMARCAL1 (SNF2 related chromatin remodeling annealing helicase 1; plus strand). Cytogenetic location: 2q35.
Variant type: single nucleotide variant.
Coding change: c.2852C>T on transcript NM_014140.4 (MANE Select); coding-DNA position 2852, C replaced by T.
Protein change: p.Thr951Met; replaces threonine 951 with methionine.
Molecular consequence: missense variant.
Genome position (GRCh38, 1-based): chr2:216,482,964, C>T. VCF-style: chr2-216482964-C-T. GRCh37 (hg19) VCF-style: chr2-217347687-C-T.
Other names: c.2852C>T, p.Thr951Met (NM_001127207.2); short protein forms T951M.
Identifiers: ClinVar variation 1450600 (VCV001450600.6), dbSNP rs751084968, ClinGen allele CA65623143.

ClinVar aggregate classification (germline): Uncertain significance (1 of 4 stars; one submission).

Conditions:
Schimke immuno-osseous dysplasia (SIOD). Also called: Schimke Immunoosseous Dysplasia. Identifiers: Orphanet 1830, MedGen C0877024, MONDO:0009458, OMIM 242900.

Allele frequency attached by ClinVar (database versions not stated): gnomAD exomes below 0.00001; TOPMed below 0.00001; gnomAD 0.00001.
gnomAD v4.1: 2 of 1,613,830 alleles (0.00012%); highest among the groups gnomAD compares: South Asian, 0.0011%; no homozygotes.

Submission:

Labcorp Genetics (formerly Invitae), Labcorp
Classification: Uncertain significance for Schimke immuno-osseous dysplasia. Last evaluated: 2022-03-11. Review status: criteria provided, single submitter. Criteria: Invitae Variant Classification Sherloc (09022015). Collection method: clinical testing. Allele origin: germline.
Comment: This sequence change replaces threonine, which is neutral and polar, with methionine, which is neutral and non-polar, at codon 951 of the SMARCAL1 protein (p.Thr951Met). The frequency data for this variant in the population databases is considered unreliable, as metrics indicate poor data quality at this position in the gnomAD database. This variant has not been reported in the literature in individuals affected with SMARCAL1-related conditions. Algorithms developed to predict the effect of missense changes on protein structure and function are either unavailable or do not agree on the potential impact of this missense change (SIFT: "Deleterious"; PolyPhen-2: "Benign"; Align-GVGD: "Class C0"). In summary, the available evidence is currently insufficient to determine the role of this variant in disease. Therefore, it has been classified as a Variant of Uncertain Significance.